The following is an entry in ClinVar:

NM_006420.3(ARFGEF2):c.3195G>A (p.Ser1065=)

Gene: ARFGEF2 (ARF guanine nucleotide exchange factor 2; plus strand). Cytogenetic location: 20q13.13.
Variant type: single nucleotide variant.
Coding change: c.3195G>A on transcript NM_006420.3 (MANE Select); coding-DNA position 3195, G replaced by A.
Protein change: p.Ser1065=; no amino-acid change (serine 1065 retained).
Molecular consequence: synonymous variant.
Genome position (GRCh38, 1-based): chr20:48,995,856, G>A. VCF-style: chr20-48995856-G-A. GRCh37 (hg19) VCF-style: chr20-47612393-G-A.
Other names: c.3192G>A, p.Ser1064= (NM_001410846.1).
Identifiers: ClinVar variation 3061738 (VCV003061738.3), dbSNP rs139648715, ClinGen allele CA510794495.

ClinVar aggregate classification (germline): Likely benign. Review status: criteria provided, single submitter (1 of 4 stars). 2 submissions from 2 submitters: Likely benign (1). 1 of the submissions does not count toward it. Last evaluated 2025-04-21.

Conditions:
ARFGEF2-related disorder. Also called: ARFGEF2-related condition.

gnomAD v4.1: 26 of 1,613,992 alleles (0.0016%); highest among the groups gnomAD compares: Middle Eastern, 0.016%; no homozygotes.

Submissions (2):

Labcorp Genetics (formerly Invitae), Labcorp
Classification: Likely benign. Last evaluated: 2025-04-21. Review status: criteria provided, single submitter. Criteria: Invitae Variant Classification Sherloc (09022015). Collection method: clinical testing. Allele origin: germline.

PreventionGenetics, part of Exact Sciences
Classification: Likely benign for ARFGEF2-related condition. Last evaluated: 2021-06-26. Review status: no assertion criteria provided. Collection method: clinical testing. Allele origin: germline. Not counted in ClinVar's aggregate classification.
Comment: This variant is classified as likely benign based on ACMG/AMP sequence variant interpretation guidelines (Richards et al. 2015 PMID: 25741868, with internal and published modifications).